The following is an entry in ClinVar:

NM_022124.6(CDH23):c.6169A>G (p.Ile2057Val)

Gene: CDH23 (cadherin related 23; plus strand). Cytogenetic location: 10q22.1.
Variant type: single nucleotide variant.
Coding change: c.6169A>G on transcript NM_022124.6 (MANE Select); coding-DNA position 6169, A replaced by G.
Protein change: p.Ile2057Val; replaces isoleucine 2057 with valine.
Molecular consequence: missense variant.
Genome position (GRCh38, 1-based): chr10:71,791,251, A>G. VCF-style: chr10-71791251-A-G. GRCh37 (hg19) VCF-style: chr10-73551008-A-G.
Other names: short protein forms I2057V.
Identifiers: ClinVar variation 166814 (VCV000166814.22), dbSNP rs573057228, ClinGen allele CA233648.

ClinVar aggregate classification (germline): Conflicting classifications of pathogenicity. Review status: criteria provided, conflicting classifications (1 of 4 stars). 7 submissions from 7 submitters: Uncertain significance (1); Benign (2); Likely benign (2). 2 of the submissions do not count toward it. Last evaluated 2026-01-25.

Conditions:
Inborn genetic diseases. Identifiers: MedGen C0950123, MeSH D030342.
CDH23-related disorder. Also called: CDH23-related condition; CDH23-related disorders.
Retinal dystrophy. Also called: Inherited retinal dystrophy. Identifiers: Orphanet 71862, MedGen C0854723, MeSH D058499, MONDO:0019118, HP:0000556.
Usher syndrome type 1 (USH1). Also called: RETINITIS PIGMENTOSA AND CONGENITAL DEAFNESS. Identifiers: Orphanet 231169, Orphanet 886, MedGen C1568247, MONDO:0010168, OMIM 276900.

Allele frequency attached by ClinVar (database versions not stated): gnomAD exomes 0.00038 and 0.00020; 1000 Genomes Project 30x 0.00109; 1000 Genomes Project 0.00140; TOPMed 0.00002; gnomAD 0.00012 and below 0.00001; ExAC 0.00045.
gnomAD v4.1: 302 of 1,613,806 alleles (0.019%); highest among the groups gnomAD compares: South Asian, 0.32%; 4 homozygotes.

Submissions (7):

Labcorp Genetics (formerly Invitae), Labcorp
Classification: Benign. Last evaluated: 2026-01-25. Review status: criteria provided, single submitter. Criteria: Invitae Variant Classification Sherloc (09022015). Collection method: clinical testing. Allele origin: germline.

Ambry Genetics
Classification: Likely benign for Inborn genetic diseases. Last evaluated: 2025-06-17. Review status: criteria provided, single submitter. Criteria: Ambry Variant Classification Scheme 2023. Collection method: clinical testing. Allele origin: germline.

PreventionGenetics, part of Exact Sciences
Classification: Likely benign for CDH23-related condition. Last evaluated: 2025-01-10. Review status: criteria provided, single submitter. Criteria: ACMG Guidelines, 2015. Collection method: clinical testing. Allele origin: germline.
Comment: This variant is classified as likely benign based on ACMG/AMP sequence variant interpretation guidelines (Richards et al. 2015 PMID: 25741868, with internal and published modifications).

Blueprint Genetics
Classification: Benign. Last evaluated: 2023-09-21. Review status: criteria provided, single submitter. Criteria: ACMG Guidelines, 2015. Collection method: clinical testing. Allele origin: germline.

Eurofins Ntd Llc (ga)
Classification: Uncertain significance. Last evaluated: 2014-01-30. Review status: criteria provided, single submitter. Criteria: EGL Classification Definitions 2015. Collection method: clinical testing. Allele origin: germline. Observed: 1 variant allele, 1 heterozygote.

Institute of Human Genetics, Univ. Regensburg, Univ. Regensburg
Classification: Uncertain significance for Retinal dystrophy. Last evaluated: 2022-01-01. Review status: no assertion criteria provided. Criteria: ACMG Guidelines, 2015. Collection method: clinical testing. Allele origin: germline. Affected: yes. Not counted in ClinVar's aggregate classification.

Natera, Inc.
Classification: Likely benign for Usher syndrome type 1. Last evaluated: 2020-04-27. Review status: no assertion criteria provided. Collection method: clinical testing. Allele origin: germline. Not counted in ClinVar's aggregate classification.